The following is an entry in ClinVar:

ClinVar aggregate classification (germline): Likely benign (0 of 4 stars; one submission).

Conditions:
GNB1-related disorder. Also called: GNB1-related condition.

Allele frequency attached by ClinVar (database versions not stated): gnomAD 0.00001; gnomAD exomes 0.00001; TOPMed 0.00001.
gnomAD v4.1: 18 of 1,603,262 alleles (0.0011%); highest among the groups gnomAD compares: Non-Finnish European, 0.0013%; no homozygotes.

Submission:

PreventionGenetics, part of Exact Sciences
Classification: Likely benign for GNB1-related condition. Last evaluated: 2022-09-22. Review status: no assertion criteria provided. Collection method: clinical testing. Allele origin: germline.
Comment: This variant is classified as likely benign based on ACMG/AMP sequence variant interpretation guidelines (Richards et al. 2015 PMID: 25741868, with internal and published modifications).

NM_002074.5(GNB1):c.-8A>G

Gene: GNB1 (G protein subunit beta 1; minus strand). Cytogenetic location: 1p36.33.
Variant type: single nucleotide variant.
Coding change: c.-8A>G on transcript NM_002074.5 (MANE Select); 8 bases upstream of the start codon, A replaced by G.
Molecular consequence: 5 prime UTR variant.
Genome position (GRCh38, 1-based): chr1:1,825,461, T>C on the plus strand (A>G on the coding strand, the complement: GNB1 is on the minus strand). VCF-style: chr1-1825461-T-C. GRCh37 (hg19) VCF-style: chr1-1756900-T-C.
Other names: c.-162A>G (NM_001282538.2); c.-8A>G (NM_001282539.2).
Identifiers: ClinVar variation 3044252 (VCV003044252.2), dbSNP rs1329496508, ClinGen allele CA520641669.
Genomic context (GRCh38, chr1:1,825,461, plus strand): 5'-ATCTGGTTCTTAAGTTGCTCGGCCTCCTGCCGTAACTGGTCAAGCTCACTCATCTTCCGA[T>C]CTTAGTGCTCTTCAATGCCACCTTCAAGAATGTGAGATCTGAAACAGAAAGACAAGCACA-3'